The following is an entry in ClinVar:

NM_197947.3(CLEC7A):c.340+9A>G

Gene: CLEC7A (C-type lectin domain containing 7A; minus strand). Cytogenetic location: 12p13.2.
Variant type: single nucleotide variant.
Coding change: c.340+9A>G on transcript NM_197947.3 (MANE Select); 9 bases into the intron after coding-DNA position 340, A replaced by G.
Molecular consequence: intron variant.
Genome position (GRCh38, 1-based): chr12:10,126,562, T>C on the plus strand (A>G on the coding strand, the complement: CLEC7A is on the minus strand). VCF-style: chr12-10126562-T-C. GRCh37 (hg19) VCF-style: chr12-10279161-T-C.
Other names: c.104-1114A>G (NM_197950.3); c.203-1114A>G (NM_197949.3, NM_022570.5); c.340+9A>G (NM_197948.3).
Identifiers: ClinVar variation 3042662 (VCV003042662.3), dbSNP rs191421705, ClinGen allele CA6444068.

ClinVar aggregate classification (germline): Likely benign. Review status: criteria provided, single submitter (1 of 4 stars). 2 submissions from 2 submitters: Likely benign (1). 1 of the submissions does not count toward it. Last evaluated 2024-10-03.

Conditions:
CLEC7A-related disorder. Also called: CLEC7A-related condition.

Allele frequency attached by ClinVar (database versions not stated): 1000 Genomes Project 30x 0.00016; ExAC 0.00016; gnomAD exomes 0.00017; 1000 Genomes Project 0.00020; TOPMed 0.00023; gnomAD 0.00024; ESP Exome Variant Server 0.00025.
gnomAD v4.1: 287 of 1,601,196 alleles (0.018%); highest among the groups gnomAD compares: Non-Finnish European, 0.015%; no homozygotes.

Submissions (2):

Blueprint Genetics
Classification: Likely benign. Last evaluated: 2024-10-03. Review status: criteria provided, single submitter. Criteria: ACMG Guidelines, 2015. Collection method: clinical testing. Allele origin: germline.

PreventionGenetics, part of Exact Sciences
Classification: Likely benign for CLEC7A-related condition. Last evaluated: 2024-04-18. Review status: no assertion criteria provided. Collection method: clinical testing. Allele origin: germline. Not counted in ClinVar's aggregate classification.
Comment: This variant is classified as likely benign based on ACMG/AMP sequence variant interpretation guidelines (Richards et al. 2015 PMID: 25741868, with internal and published modifications).